The following is an entry in ClinVar:

ClinVar aggregate classification (germline): Conflicting classifications of pathogenicity. Review status: criteria provided, conflicting classifications (1 of 4 stars). 7 submissions from 7 submitters: Uncertain significance (6); Likely benign (1). Last evaluated 2024-12-03.

Conditions:
Hereditary cancer-predisposing syndrome. Also called: Hereditary neoplastic syndrome; Neoplastic Syndromes, Hereditary; Tumor predisposition; Hereditary Cancer Syndrome. Identifiers: Orphanet 140162, MedGen C0027672, MeSH D009386, MONDO:0015356.
Hereditary breast ovarian cancer syndrome. Also called: Hereditary breast and/or ovarian cancer syndrome; BRCA1- and BRCA2-Associated Hereditary Breast and Ovarian Cancer; Hereditary breast and ovarian cancer; Breast and ovarian cancer; Hereditary breast and ovarian cancer syndrome; Hereditary breast and ovarian cancer syndrome (HBOC). Identifiers: Orphanet 145, MedGen C0677776, MeSH D061325, MONDO:0003582. Disease mechanism: loss of function.
Breast-ovarian cancer, familial, susceptibility to, 2 (BROVCA2). Also called: BRCA2 Hereditary Breast and Ovarian Cancer. Identifiers: Orphanet 145, MedGen C2675520, MONDO:0012933, OMIM 612555. Disease mechanism: loss of function.

Submissions (7):

Labcorp Genetics (formerly Invitae), Labcorp
Classification: Uncertain significance for Hereditary breast ovarian cancer syndrome. Last evaluated: 2024-12-03. Review status: criteria provided, single submitter. Criteria: Invitae Variant Classification Sherloc (09022015). Collection method: clinical testing. Allele origin: germline.
Comment: This sequence change replaces asparagine, which is neutral and polar, with serine, which is neutral and polar, at codon 1906 of the BRCA2 protein (p.Asn1906Ser). This variant is not present in population databases (gnomAD no frequency). This missense change has been observed in individual(s) with hereditary breast and ovarian cancer (PMID: 34572941). ClinVar contains an entry for this variant (Variation ID: 462387). Invitae Evidence Modeling of protein sequence and biophysical properties (such as structural, functional, and spatial information, amino acid conservation, physicochemical variation, residue mobility, and thermodynamic stability) indicates that this missense variant is not expected to disrupt BRCA2 protein function with a negative predictive value of 95%. In summary, the available evidence is currently insufficient to determine the role of this variant in disease. Therefore, it has been classified as a Variant of Uncertain Significance.

GeneDx
Classification: Uncertain significance. Last evaluated: 2024-05-21. Review status: criteria provided, single submitter. Criteria: GeneDx Variant Classification Process June 2021. Collection method: clinical testing. Allele origin: germline. Affected: yes.
Comment: Not observed at significant frequency in large population cohorts (gnomAD); In silico analysis supports that this missense variant has a deleterious effect on protein structure/function; Has not been previously published as pathogenic or benign to our knowledge; Also known as 5945A>G; This variant is associated with the following publications: (PMID: 34572941)

Ambry Genetics
Classification: Uncertain significance for Hereditary cancer-predisposing syndrome. Last evaluated: 2024-02-24. Review status: criteria provided, single submitter. Criteria: Ambry Variant Classification Scheme 2023. Collection method: clinical testing. Allele origin: germline.
Comment: The p.N1906S variant (also known as c.5717A>G), located in coding exon 10 of the BRCA2 gene, results from an A to G substitution at nucleotide position 5717. The asparagine at codon 1906 is replaced by serine, an amino acid with highly similar properties. This amino acid position is not well conserved in available vertebrate species. In addition, this alteration is predicted to be tolerated by in silico analysis. Since supporting evidence is limited at this time, the clinical significance of this alteration remains unclear.

All of Us Research Program, National Institutes of Health
Classification: Uncertain significance for Breast-ovarian cancer, familial, susceptibility to, 2. Last evaluated: 2023-09-05. Review status: criteria provided, single submitter. Criteria: ACMG Guidelines, 2015. Collection method: clinical testing. Allele origin: germline. Inheritance: Autosomal dominant inheritance. Observed: 1 variant allele, 1 heterozygote.
Comment: This missense variant replaces asparagine with serine at codon 1906 of the BRCA2 protein. Computational prediction tool suggests that this variant may not impact protein structure and function (internally defined REVEL score threshold <=0.5, PMID: 27666373). Splice site prediction tools suggest that this variant may not impact RNA splicing. To our knowledge, functional studies have not been performed for this variant. This variant has not been reported in individuals affected with hereditary cancer in the literature. This variant has not been identified in the general population by the Genome Aggregation Database (gnomAD). The available evidence is insufficient to determine the role of this variant in disease conclusively. Therefore, this variant is classified as a Variant of Uncertain Significance.

This study involves interpretation of variants in research participants for the purpose of population health screening. Participant phenotype was not available at the time of variant classification. Additional details can be found in publication PMID: 35346344, PMCID: PMC8962531

University of Washington Department of Laboratory Medicine, University of Washington
Classification: Likely benign for Hereditary cancer-predisposing syndrome. Last evaluated: 2023-03-23. Review status: criteria provided, single submitter. Criteria: Dines et al. (Genet Med. 2020). Collection method: curation. Allele origin: germline.
Comment: Missense variant in a coldspot region where missense variants are very unlikely to be pathogenic (PMID:31911673).

BRCA2 exon 11 coldspot. Reclassification based on statistical prior probability.

Sema4
Classification: Uncertain significance for Hereditary cancer-predisposing syndrome. Last evaluated: 2022-01-01. Review status: criteria provided, single submitter. Criteria: Sema4 Curation Guidelines. Collection method: curation. Allele origin: germline.
Comment: The BRCA2 c.5717A>G (p.N1906S) variant has been reported in at least one individual who underwent genetic testing for hereditary breast and ovarian cancer syndrome (PMID: 34572941). It was not observed in the large and broad cohorts of the Genome Aggregation Database (PMID: 32461654). The variant has been reported in ClinVar (Variation ID 462387). Functional studies have not been performed, and in silico predictions of the variant's effect on protein function are inconclusive. The evidence is insufficient to meet ACMG/AMP criteria for classifying the variant as benign or pathogenic. Thus, the clinical significance of this variant is currently uncertain.

Color Diagnostics, LLC DBA Color Health
Classification: Uncertain significance for Hereditary cancer-predisposing syndrome. Last evaluated: 2020-01-23. Review status: criteria provided, single submitter. Criteria: ACMG Guidelines, 2015. Collection method: clinical testing. Allele origin: germline.
Comment: This missense variant replaces asparagine with serine at codon 1906 of the BRCA2 protein. Computational prediction tool suggests that this variant may not impact protein structure and function (internally defined REVEL score threshold ≤0.5, PMID: 27666373). Splice site prediction tools suggest that this variant may not impact RNA splicing. To our knowledge, functional studies have not been performed for this variant. This variant has not been reported in individuals affected with hereditary cancer in the literature. This variant has not been identified in the general population by the Genome Aggregation Database (gnomAD). The available evidence is insufficient to determine the role of this variant in disease conclusively. Therefore, this variant is classified as a Variant of Uncertain Significance.

Literature cited by the submitters: PubMed 34572941 (cited by Labcorp Genetics (formerly Invitae), Labcorp and Sema4).

NM_000059.4(BRCA2):c.5717A>G (p.Asn1906Ser)

Gene: BRCA2 (BRCA2 DNA repair associated; plus strand). Cytogenetic location: 13q13.1.
Variant type: single nucleotide variant.
Coding change: c.5717A>G on transcript NM_000059.4 (MANE Select); coding-DNA position 5717, A replaced by G.
Protein change: p.Asn1906Ser; replaces asparagine 1906 with serine.
Molecular consequence: missense variant.
Genome position (GRCh38, 1-based): chr13:32,340,072, A>G. VCF-style: chr13-32340072-A-G. GRCh37 (hg19) VCF-style: chr13-32914209-A-G.
Other names: short protein forms N1906S.
Identifiers: ClinVar variation 462387 (VCV000462387.23), dbSNP rs1555284372, ClinGen allele CA387786819.